The following is an entry in ClinVar:

NM_183235.3(RAB27A):c.467+4A>T

Gene: RAB27A (RAB27A, member RAS oncogene family; minus strand). Cytogenetic location: 15q21.3.
Variant type: single nucleotide variant.
Coding change: c.467+4A>T on transcript NM_183235.3 (MANE Select); 4 bases into the intron after coding-DNA position 467, A replaced by T.
Molecular consequence: intron variant.
Genome position (GRCh38, 1-based): chr15:55,223,885, T>A on the plus strand (A>T on the coding strand, the complement: RAB27A is on the minus strand). VCF-style: chr15-55223885-T-A. GRCh37 (hg19) VCF-style: chr15-55516083-T-A.
Other names: c.467+4A>T (NM_001438970.1, NM_001438977.1, NM_001438975.1 and 11 more transcripts).
Identifiers: ClinVar variation 3653946 (VCV003653946.2).

ClinVar aggregate classification (germline): Uncertain significance (1 of 4 stars; one submission).

Conditions:
Griscelli syndrome type 2 (GS2). Also called: PAID SYNDROME; PARTIAL ALBINISM AND IMMUNODEFICIENCY SYNDROME; GRISCELLI SYNDROME WITH HEMOPHAGOCYTIC SYNDROME. Identifiers: Orphanet 381, Orphanet 79477, MedGen C1868679, MONDO:0011872, OMIM 607624.

Submission:

Labcorp Genetics (formerly Invitae), Labcorp
Classification: Uncertain significance for Griscelli syndrome type 2. Last evaluated: 2024-06-12. Review status: criteria provided, single submitter. Criteria: Invitae Variant Classification Sherloc (09022015). Collection method: clinical testing. Allele origin: germline.
Comment: This sequence change falls in intron 5 of the RAB27A gene. It does not directly change the encoded amino acid sequence of the RAB27A protein. It affects a nucleotide within the consensus splice site. This variant is not present in population databases (gnomAD no frequency). This variant has not been reported in the literature in individuals affected with RAB27A-related conditions. Variants that disrupt the consensus splice site are a relatively common cause of aberrant splicing (PMID: 17576681, 9536098). Algorithms developed to predict the effect of sequence changes on RNA splicing suggest that this variant is not likely to affect RNA splicing. In summary, the available evidence is currently insufficient to determine the role of this variant in disease. Therefore, it has been classified as a Variant of Uncertain Significance.

Literature cited by the submitters: PubMed 17576681; PubMed 9536098.